The following is an entry in ClinVar:

NM_022081.6(HPS4):c.1766C>T (p.Thr589Met)

Gene: HPS4 (HPS4 biogenesis of lysosomal organelles complex 3 subunit 2; minus strand). Cytogenetic location: 22q12.1.
Variant type: single nucleotide variant.
Coding change: c.1766C>T on transcript NM_022081.6 (MANE Select); coding-DNA position 1766, C replaced by T.
Protein change: p.Thr589Met; replaces threonine 589 with methionine.
Molecular consequence: missense variant. On other transcripts: non-coding transcript variant (8), intron variant (2).
Genome position (GRCh38, 1-based): chr22:26,458,525, G>A on the plus strand (C>T on the coding strand, the complement: HPS4 is on the minus strand). VCF-style: chr22-26458525-G-A. GRCh37 (hg19) VCF-style: chr22-26854491-G-A.
Other names: c.1766C>T, p.Thr589Met (NM_001349896.1, NM_001349898.2, NM_001349899.2 and 3 more transcripts); c.1820C>T, p.Thr607Met (NM_001349900.2, NM_001349901.1); c.1751C>T, p.Thr584Met (NM_152841.2); c.1714-5121C>T (NM_001349902.1, NM_001349903.2); short protein forms T584M, T589M, T607M.
Identifiers: ClinVar variation 2416988 (VCV002416988.3), dbSNP rs763915972, ClinGen allele CA10163223.

ClinVar aggregate classification (germline): Uncertain significance (1 of 4 stars; one submission).

Allele frequency attached by ClinVar (database versions not stated): ExAC 0.00001; gnomAD exomes 0.00001; TOPMed 0.00001; gnomAD 0.00002.
gnomAD v4.1: 13 of 1,613,966 alleles (0.00081%); highest among the groups gnomAD compares: African/African-American, 0.0027%; no homozygotes.

Submission:

Labcorp Genetics (formerly Invitae), Labcorp
Classification: Uncertain significance. Last evaluated: 2022-04-01. Review status: criteria provided, single submitter. Criteria: Invitae Variant Classification Sherloc (09022015). Collection method: clinical testing. Allele origin: germline.
Comment: This sequence change replaces threonine, which is neutral and polar, with methionine, which is neutral and non-polar, at codon 589 of the HPS4 protein (p.Thr589Met). This variant is present in population databases (rs763915972, gnomAD 0.006%). This variant has not been reported in the literature in individuals affected with HPS4-related conditions. Algorithms developed to predict the effect of missense changes on protein structure and function (SIFT, PolyPhen-2, Align-GVGD) all suggest that this variant is likely to be disruptive. In summary, the available evidence is currently insufficient to determine the role of this variant in disease. Therefore, it has been classified as a Variant of Uncertain Significance.